The following is an entry in ClinVar:

ClinVar aggregate classification (germline): Uncertain significance. Review status: criteria provided, multiple submitters, no conflicts (2 of 4 stars). 2 submissions from 2 submitters: Uncertain significance (2). Last evaluated 2026-07-01.

Conditions:
Glycogen storage disease, type II (IOPD). Also called: CARDIOMEGALIA GLYCOGENICA DIFFUSA; GLYCOGENOSIS, GENERALIZED, CARDIAC FORM; GSD II; Glycogen storage disease type 2; Acid maltase deficiency disease; Aglucosidase alfa. Identifiers: Orphanet 365, MedGen C0017921, MONDO:0009290, OMIM 232300.

Submissions (2):

Genomenon, Inc
Classification: Uncertain significance for Glycogen storage disease, type II. Last evaluated: 2026-07-01. Review status: criteria provided, single submitter. Criteria: Genomenon Sequence Variant Interpretation Standards - Updated. Collection method: curation. Allele origin: germline.
Comment: GAA p.Thr166Ile (c.497C>T) is a missense variant that changes the amino acid at codon 166 from Threonine to Isoleucine. This variant has been reported in the compound heterozygous and/or homozygous state in an individual without a confirmed diagnosis of Pompe disease (PMID:32821428). It is absent or not present at a significant frequency in gnomAD. In silico models predict that this variant is not damaging. In conclusion, we classify GAA p.Thr166Ile (c.497C>T) as a variant of uncertain significance.

Labcorp Genetics (formerly Invitae), Labcorp
Classification: Uncertain significance for Glycogen storage disease, type II. Last evaluated: 2022-05-03. Review status: criteria provided, single submitter. Criteria: Invitae Variant Classification Sherloc (09022015). Collection method: clinical testing. Allele origin: germline.
Comment: In summary, the available evidence is currently insufficient to determine the role of this variant in disease. Therefore, it has been classified as a Variant of Uncertain Significance. Advanced modeling of protein sequence and biophysical properties (such as structural, functional, and spatial information, amino acid conservation, physicochemical variation, residue mobility, and thermodynamic stability) performed at Invitae indicates that this missense variant is not expected to disrupt GAA protein function. This missense change has been observed in individual(s) with clinical features of GAA-related conditions (PMID: 32821428). This variant is not present in population databases (gnomAD no frequency). This sequence change replaces threonine, which is neutral and polar, with isoleucine, which is neutral and non-polar, at codon 166 of the GAA protein (p.Thr166Ile).

Literature cited by the submitters: PubMed 32821428 (cited by Genomenon, Inc and Labcorp Genetics (formerly Invitae), Labcorp).

NM_000152.5(GAA):c.497C>T (p.Thr166Ile)

Gene: GAA (alpha glucosidase; plus strand). Cytogenetic location: 17q25.3.
Variant type: single nucleotide variant.
Coding change: c.497C>T on transcript NM_000152.5 (MANE Select); coding-DNA position 497, C replaced by T.
Protein change: p.Thr166Ile; replaces threonine 166 with isoleucine.
Molecular consequence: missense variant.
Genome position (GRCh38, 1-based): chr17:80,105,083, C>T. VCF-style: chr17-80105083-C-T. GRCh37 (hg19) VCF-style: chr17-78078882-C-T.
Other names: c.497C>T, p.Thr166Ile (NM_001079803.3, NM_001079804.3, NM_001406741.1 and 1 more transcripts); short protein forms T166I.
Identifiers: ClinVar variation 2165021 (VCV002165021.5), dbSNP rs2510347370, ClinGen allele CA401361665.
Genomic context (GRCh38, chr17:80,105,083, plus strand): 5'-TGGGCTACACGGCCACCCTGACCCGTACCACCCCCACCTTCTTCCCCAAGGACATCCTGA[C>T]CCTGCGGCTGGACGTGATGATGGAGACTGAGAACCGCCTCCACTTCACGGTGGGCAGGGC-3'
Protein context (NP_000143.2, residues 156-176): TPTFFPKDIL[Thr166Ile]LRLDVMMETE